The following is an entry in ClinVar:

NM_001042492.3(NF1):c.7021A>G (p.Asn2341Asp)

Gene: NF1 (neurofibromin 1; plus strand). Cytogenetic location: 17q11.2.
Variant type: single nucleotide variant.
Coding change: c.7021A>G on transcript NM_001042492.3 (MANE Select); coding-DNA position 7021, A replaced by G.
Protein change: p.Asn2341Asp; replaces asparagine 2341 with aspartic acid.
Molecular consequence: missense variant.
Genome position (GRCh38, 1-based): chr17:31,340,604, A>G. VCF-style: chr17-31340604-A-G. GRCh37 (hg19) VCF-style: chr17-29667622-A-G.
Other names: c.6958A>G, p.Asn2320Asp (NM_000267.4); short protein forms N2320D, N2341D.
Identifiers: ClinVar variation 3237910 (VCV003237910.1), dbSNP rs2151561855.

ClinVar aggregate classification (germline): Uncertain significance (1 of 4 stars; one submission).

Conditions:
Hereditary cancer-predisposing syndrome. Also called: Neoplastic Syndromes, Hereditary; Tumor predisposition; Hereditary neoplastic syndrome; Hereditary Cancer Syndrome. Identifiers: Orphanet 140162, MedGen C0027672, MeSH D009386, MONDO:0015356.
Cardiovascular phenotype. Identifiers: MedGen CN230736.

Submission:

Ambry Genetics
Classification: Uncertain significance for Cardiovascular phenotype; Hereditary cancer-predisposing syndrome. Last evaluated: 2023-12-20. Review status: criteria provided, single submitter. Criteria: Ambry Variant Classification Scheme 2023. Collection method: clinical testing. Allele origin: germline.
Comment: The p.N2320D variant (also known as c.6958A>G), located in coding exon 46 of the NF1 gene, results from an A to G substitution at nucleotide position 6958. The asparagine at codon 2320 is replaced by aspartic acid, an amino acid with highly similar properties. This amino acid position is conserved. In addition, this alteration is predicted to be tolerated by in silico analysis. Since supporting evidence is limited at this time, the clinical significance of this alteration remains unclear.